The following is an entry in ClinVar:

NM_001330700.2(TOP2B):c.4146TGA[5] (p.Asp1388del)

Gene: TOP2B (DNA topoisomerase II beta; minus strand). Cytogenetic location: 3p24.2.
Variant type: Microsatellite.
Coding change: c.4146TGA[5] on transcript NM_001330700.2 (MANE Select); five copies in a row of the 3-base unit TGA starting at c.4146; the reference has six copies in a row; one copy, 3 bases deleted.
Protein change: p.Asp1388del; deletes aspartic acid 1388.
Molecular consequence: inframe deletion.
Genome position (GRCh38, 1-based): chr3:25,607,306-25,607,308, TCA deleted on the plus strand (TGA on the coding strand, the reverse complement: TOP2B is on the minus strand); deleting any 3 consecutive bases within chr3:25,607,306-25,607,323 gives the same sequence; the position shown is the placement nearest the transcript's 3' end. VCF-style (leftmost placement, unchanged base first): chr3-25607305-GTCA-G. GRCh37 (hg19) VCF-style: chr3-25648796-GTCA-G.
Other names: c.4131TGA[5], p.Asp1383del (NM_001068.3); short protein forms D1388del, D1383del.
Identifiers: ClinVar variation 1406814 (VCV001406814.31), dbSNP rs746857248, ClinGen allele CA2288150.

ClinVar aggregate classification (germline): Uncertain significance. Review status: criteria provided, multiple submitters, no conflicts (2 of 4 stars). 3 submissions from 3 submitters: Uncertain significance (3). Last evaluated 2025-08-10.

Submissions (3):

Labcorp Genetics (formerly Invitae), Labcorp
Classification: Uncertain significance. Last evaluated: 2025-08-10. Review status: criteria provided, single submitter. Criteria: Invitae Variant Classification Sherloc (09022015). Collection method: clinical testing. Allele origin: germline.
Comment: This variant, c.4146_4148del, results in the deletion of 1 amino acid(s) of the TOP2B protein (p.Asp1383del), but otherwise preserves the integrity of the reading frame. The frequency data for this variant in the population databases is considered unreliable, as metrics indicate poor data quality at this position in the gnomAD database. This variant has not been reported in the literature in individuals affected with TOP2B-related conditions. Experimental studies and prediction algorithms are not available or were not evaluated, and the functional significance of this variant is currently unknown. In summary, the available evidence is currently insufficient to determine the role of this variant in disease. Therefore, it has been classified as a Variant of Uncertain Significance.

CeGaT Center for Human Genetics Tuebingen
Classification: Uncertain significance. Last evaluated: 2022-09-01. Review status: criteria provided, single submitter. Criteria: CeGaT Center For Human Genetics Tuebingen Variant Classification Criteria Version 2. Collection method: clinical testing. Allele origin: germline. Affected: yes. Observed: 1 variant allele.

Breakthrough Genomics
Classification: Uncertain significance. Review status: criteria provided, single submitter. Criteria: ACMG Guidelines, 2015. Collection method: not provided. Allele origin: germline. Inheritance: Autosomal dominant inheritance. Affected: yes.